The following is an entry in ClinVar:

NM_014615.5(GSE1):c.681C>T (p.Thr227=)

Gene: GSE1 (Gse1 coiled-coil protein; plus strand). Cytogenetic location: 16q24.1.
Variant type: single nucleotide variant.
Coding change: c.681C>T on transcript NM_014615.5 (MANE Select); coding-DNA position 681, C replaced by T.
Protein change: p.Thr227=; no amino-acid change (threonine 227 retained).
Molecular consequence: synonymous variant.
Genome position (GRCh38, 1-based): chr16:85,654,875, C>T. VCF-style: chr16-85654875-C-T. GRCh37 (hg19) VCF-style: chr16-85688481-C-T.
Other names: c.369C>T, p.Thr123= (NM_001134473.3); c.462C>T, p.Thr154= (NM_001278184.3).
Identifiers: ClinVar variation 2646934 (VCV002646934.24), dbSNP rs147629403, ClinGen allele CA8214252.

ClinVar aggregate classification (germline): Likely benign (1 of 4 stars; one submission).

Allele frequency attached by ClinVar (database versions not stated): 1000 Genomes Project 0.00339; 1000 Genomes Project 30x 0.00344; ExAC 0.00562; gnomAD 0.00566; ESP Exome Variant Server 0.00602; TOPMed 0.00603; gnomAD exomes 0.00862.
gnomAD v4.1: 13,368 of 1,611,700 alleles (0.83%); highest among the groups gnomAD compares: Non-Finnish European, 0.99%; 75 homozygotes.

Submission:

CeGaT Center for Human Genetics Tuebingen
Classification: Likely benign. Last evaluated: 2023-02-01. Review status: criteria provided, single submitter. Criteria: CeGaT Center For Human Genetics Tuebingen Variant Classification Criteria Version 2. Collection method: clinical testing. Allele origin: germline. Affected: yes. Observed: 1 variant allele.
Comment: GSE1: BP4, BP7, BS2